The following is an entry in ClinVar:

ClinVar aggregate classification (germline): Conflicting classifications of pathogenicity. Review status: criteria provided, conflicting classifications (1 of 4 stars). 3 submissions from 3 submitters: Uncertain significance (2); Likely benign (1). Last evaluated 2025-04-02.

Conditions:
Spastic paraplegia. Identifiers: MedGen C0037772, HP:0001258.
Inborn genetic diseases. Identifiers: MedGen C0950123, MeSH D030342.

Allele frequency attached by ClinVar (database versions not stated): gnomAD exomes 0.00005; ExAC 0.00007; gnomAD 0.00007; TOPMed 0.00007; ESP Exome Variant Server 0.00008.

Submissions (3):

Ambry Genetics
Classification: Likely benign for Inborn genetic diseases. Last evaluated: 2025-04-02. Review status: criteria provided, single submitter. Criteria: Ambry Variant Classification Scheme 2023. Collection method: clinical testing. Allele origin: germline.

Labcorp Genetics (formerly Invitae), Labcorp
Classification: Uncertain significance for Spastic paraplegia. Last evaluated: 2024-11-04. Review status: criteria provided, single submitter. Criteria: Invitae Variant Classification Sherloc (09022015). Collection method: clinical testing. Allele origin: germline.
Comment: This sequence change replaces arginine, which is basic and polar, with glutamine, which is neutral and polar, at codon 518 of the GBA2 protein (p.Arg518Gln). This variant is present in population databases (rs376867651, gnomAD 0.07%). This variant has not been reported in the literature in individuals affected with GBA2-related conditions. ClinVar contains an entry for this variant (Variation ID: 2113931). An algorithm developed to predict the effect of missense changes on protein structure and function outputs the following: PolyPhen-2: "Benign". The glutamine amino acid residue is found in multiple mammalian species, which suggests that this missense change does not adversely affect protein function. In summary, the available evidence is currently insufficient to determine the role of this variant in disease. Therefore, it has been classified as a Variant of Uncertain Significance.

Mayo Clinic Laboratories, Mayo Clinic
Classification: Uncertain significance. Last evaluated: 2024-10-14. Review status: criteria provided, single submitter. Criteria: ACMG Guidelines, 2015. Collection method: clinical testing. Allele origin: germline. Observed: 1 variant allele.
Comment: BP4

NM_020944.3(GBA2):c.1553G>A (p.Arg518Gln)

Gene: GBA2 (glucosylceramidase beta 2; minus strand). Cytogenetic location: 9p13.3.
Variant type: single nucleotide variant.
Coding change: c.1553G>A on transcript NM_020944.3 (MANE Select); coding-DNA position 1553, G replaced by A.
Protein change: p.Arg518Gln; replaces arginine 518 with glutamine.
Molecular consequence: missense variant.
Genome position (GRCh38, 1-based): chr9:35,739,657, C>T on the plus strand (G>A on the coding strand, the complement: GBA2 is on the minus strand). VCF-style: chr9-35739657-C-T. GRCh37 (hg19) VCF-style: chr9-35739654-C-T.
Other names: p.Arg518Gln; c.1553G>A, p.Arg518Gln (NM_001330660.2); c.1553G>A (NM_020944.2); short protein forms R518Q.
Identifiers: ClinVar variation 2113931 (VCV002113931.5), dbSNP rs376867651, ClinGen allele CA5050369.